The following is an entry in ClinVar:

NM_000384.3(APOB):c.8081G>C (p.Arg2694Thr)

Gene: APOB (apolipoprotein B; minus strand). Cytogenetic location: 2p24.1.
Variant type: single nucleotide variant.
Coding change: c.8081G>C on transcript NM_000384.3 (MANE Select); coding-DNA position 8081, G replaced by C.
Protein change: p.Arg2694Thr; replaces arginine 2694 with threonine.
Molecular consequence: missense variant.
Genome position (GRCh38, 1-based): chr2:21,008,787, C>G on the plus strand (G>C on the coding strand, the complement: APOB is on the minus strand). VCF-style: chr2-21008787-C-G. GRCh37 (hg19) VCF-style: chr2-21231659-C-G.
Other names: short protein forms R2694T.
Identifiers: ClinVar variation 2619280 (VCV002619280.3), dbSNP rs2465367199, ClinGen allele CA345995477.

ClinVar aggregate classification (germline): Uncertain significance (1 of 4 stars; one submission).

Conditions:
Cardiovascular phenotype. Identifiers: MedGen CN230736.

Allele frequency attached by ClinVar (database versions not stated): gnomAD exomes below 0.00001.
gnomAD v4.1: 1 of 1,613,992 alleles (0.000062%); no homozygotes.

Submission:

Ambry Genetics
Classification: Uncertain significance for Cardiovascular phenotype. Last evaluated: 2026-09-11. Review status: criteria provided, single submitter. Criteria: Ambry Variant Classification Scheme 2023. Collection method: clinical testing. Allele origin: germline.
Comment: The p.R2694T variant (also known as c.8081G>C), located in coding exon 26 of the APOB gene, results from a G to C substitution at nucleotide position 8081. The arginine at codon 2694 is replaced by threonine, an amino acid with similar properties. This amino acid position is conserved. In addition, this alteration is predicted to be tolerated by in silico analysis. Based on the available evidence, the clinical significance of this variant remains unclear.